The following is an entry in ClinVar:

NM_001326411.2(PISD):c.438G>A (p.Thr146=)

Gene: PISD (phosphatidylserine decarboxylase; minus strand). Cytogenetic location: 22q12.2.
Variant type: single nucleotide variant.
Coding change: c.438G>A on transcript NM_001326411.2 (MANE Select); coding-DNA position 438, G replaced by A.
Protein change: p.Thr146=; no amino-acid change (threonine 146 retained).
Molecular consequence: synonymous variant.
Genome position (GRCh38, 1-based): chr22:31,621,769, C>T on the plus strand (G>A on the coding strand, the complement: PISD is on the minus strand). VCF-style: chr22-31621769-C-T. GRCh37 (hg19) VCF-style: chr22-32017755-C-T.
Other names: c.375G>A, p.Thr125= (NM_001326412.1, NM_001326413.2, NM_001326414.2); c.336G>A, p.Thr112= (NM_001326415.2, NM_001326416.2, NM_001326417.2 and 3 more transcripts); c.258G>A, p.Thr86= (NM_001326418.2, NM_001326420.2); c.438G>A, p.Thr146= (NM_001326421.1); c.438G>A (NM_001326411.1).
Identifiers: ClinVar variation 3677380 (VCV003677380.4).

ClinVar aggregate classification (germline): Likely benign. Review status: criteria provided, multiple submitters, no conflicts (2 of 4 stars). 3 submissions from 3 submitters: Likely benign (3). Last evaluated 2026-06-29.

Conditions:
PISD-related disorder. Also called: PISD-related condition.

gnomAD v4.1: 23 of 1,614,182 alleles (0.0014%); highest among the groups gnomAD compares: Middle Eastern, 0.016%; no homozygotes.

Submissions (3):

PreventionGenetics, part of Exact Sciences
Classification: Likely benign for PISD-related condition. Last evaluated: 2026-06-29. Review status: criteria provided, single submitter. Criteria: ACMG Guidelines, 2015. Collection method: clinical testing. Allele origin: germline.
Comment: This variant is classified as likely benign based on ACMG/AMP sequence variant interpretation guidelines (Richards et al. 2015 PMID: 25741868, with internal and published modifications).

Labcorp Genetics (formerly Invitae), Labcorp
Classification: Likely benign. Last evaluated: 2025-04-07. Review status: criteria provided, single submitter. Criteria: Invitae Variant Classification Sherloc (09022015). Collection method: clinical testing. Allele origin: germline.

Blueprint Genetics
Classification: Likely benign. Last evaluated: 2024-07-09. Review status: criteria provided, single submitter. Criteria: ACMG Guidelines, 2015. Collection method: clinical testing. Allele origin: germline.